The following is an entry in ClinVar:

ClinVar aggregate classification (germline): Uncertain significance (1 of 4 stars; one submission).

Conditions:
Pityriasis rubra pilaris (PRP). Also called: Pityriasis rubra pilaris--familial type. Identifiers: Orphanet 2897, MedGen C0032027, MONDO:0100017, OMIM 173200, MONDO:0008251.
Psoriasis 2. Identifiers: MedGen C1864497, MONDO:0011269, OMIM 602723.

Submission:

Labcorp Genetics (formerly Invitae), Labcorp
Classification: Uncertain significance for Pityriasis rubra pilaris; Psoriasis 2. Last evaluated: 2026-01-02. Review status: criteria provided, single submitter. Criteria: Invitae Variant Classification Sherloc (09022015). Collection method: clinical testing. Allele origin: germline.
Comment: This variant, c.2870_2872del, results in the deletion of 1 amino acid(s) of the CARD14 protein (p.Glu957del), but otherwise preserves the integrity of the reading frame. This variant is present in population databases (no rsID available, gnomAD 0.007%). This variant has not been reported in the literature in individuals affected with CARD14-related conditions. ClinVar contains an entry for this variant (Variation ID: 943407). Experimental studies and prediction algorithms are not available or were not evaluated, and the functional significance of this variant is currently unknown. In summary, the available evidence is currently insufficient to determine the role of this variant in disease. Therefore, it has been classified as a Variant of Uncertain Significance.

NM_001366385.1(CARD14):c.2864AGG[2] (p.Glu957del)

Genes: CARD14 (caspase recruitment domain family member 14; plus strand), SGSH (N-sulfoglucosamine sulfohydrolase; minus strand). Cytogenetic location: 17q25.3.
Variant type: Microsatellite.
Coding change: c.2864AGG[2] on transcript NM_001366385.1 (MANE Select); two copies in a row of the 3-base unit AGG starting at c.2864; the reference has three copies in a row; one copy, 3 bases deleted.
Protein change: p.Glu957del; deletes glutamic acid 957.
Molecular consequence: inframe deletion. On other transcripts: non-coding transcript variant (1).
Genome position (GRCh38, 1-based): chr17:80,208,200-80,208,202, AGG deleted; deleting any 3 consecutive bases within chr17:80,208,194-80,208,202 gives the same sequence; the position shown is the placement nearest the transcript's 3' end. VCF-style (leftmost placement, unchanged base first): chr17-80208193-CAGG-C. GRCh37 (hg19) VCF-style: chr17-78181992-CAGG-C.
Other names: c.2864AGG[2], p.Glu957del (NM_024110.4); c.2870_2872del (NM_024110.4); short protein forms E957del.
Identifiers: ClinVar variation 943407 (VCV000943407.8), dbSNP rs937454631, ClinGen allele CA294888556.
Genomic context (GRCh38, chr17:80,208,193, plus strand): 5'-TGCAGGAAGGGCCTACAGCGGTTGGGCACCTCAGAGGAGCAGCTCCTGGAGGCTGCGAGG[CAGG>C]AGGAGGGAGACCTGGACCGGGCGCCCTGTCTATACAGCAGCCTGGCTCCTGACGGCTGGA-3'